The following is an entry in ClinVar:

ClinVar aggregate classification (germline): Benign (1 of 4 stars; one submission).

Conditions:
Familial X-linked hypophosphatemic vitamin D refractory rickets (XLHRD). Also called: X-Linked Hypophosphatemia; HYPOPHOSPHATEMIC VITAMIN D-RESISTANT RICKETS; Hypophosphatemic Rickets, X-Linked Dominant; Hypophosphatemia, vitamin D-resistant rickets; Vitamin D-resistant rickets, X-linked. Identifiers: Orphanet 89936, MedGen C0733682, MONDO:0010619, OMIM 307800.

Allele frequency attached by ClinVar (database versions not stated): gnomAD exomes 0.00001; TOPMed 0.00002; gnomAD 0.00003; 1000 Genomes Project 30x 0.00062; 1000 Genomes Project 0.00079.
gnomAD v4.1: 4 of 190,066 alleles (0.0021%); highest among the groups gnomAD compares: Admixed American, 0.028%; no homozygotes.

Submission:

Illumina Laboratory Services, Illumina
Classification: Benign for Familial X-linked hypophosphatemic vitamin D refractory rickets. Last evaluated: 2018-01-13. Review status: criteria provided, single submitter. Criteria: ICSL Variant Classification Criteria 13 December 2019. Collection method: clinical testing. Allele origin: germline.
Comment: This variant was observed in the ICSL laboratory as part of a predisposition screen in an ostensibly healthy population. It had not been previously curated by ICSL or reported in the Human Gene Mutation Database (HGMD: prior to June 1st, 2018), and was therefore a candidate for classification through an automated scoring system. Utilizing variant allele frequency, disease prevalence and penetrance estimates, and inheritance mode, an automated score was calculated to assess if this variant is too frequent to cause the disease. Based on the score and internal cut-off values, a variant classified as benign is not then subjected to further curation. The score for this variant resulted in a classification of benign for this disease.

NM_000444.6(PHEX):c.*388A>G

Genes: PTCHD1-AS (PTCHD1 and PHEX antisense RNA; minus strand), PHEX (phosphate regulating endopeptidase X-linked; plus strand). Cytogenetic location: Xp22.11.
Variant type: single nucleotide variant.
Coding change: c.*388A>G on transcript NM_000444.6 (MANE Select); 388 bases downstream of the stop codon, A replaced by G.
Molecular consequence: 3 prime UTR variant.
Genome position (GRCh38, 1-based): chrX:22,248,341, A>G. VCF-style: chrX-22248341-A-G. GRCh37 (hg19) VCF-style: chrX-22266458-A-G.
Other names: c.*473A>G (NM_001282754.2).
Identifiers: ClinVar variation 368179 (VCV000368179.5), dbSNP rs759086924, ClinGen allele CA10653878.